The following is an entry in ClinVar:

ClinVar aggregate classification (germline): Uncertain significance (1 of 4 stars; one submission).

Submission:

Labcorp Genetics (formerly Invitae), Labcorp
Classification: Uncertain significance. Last evaluated: 2024-11-08. Review status: criteria provided, single submitter. Criteria: Invitae Variant Classification Sherloc (09022015). Collection method: clinical testing. Allele origin: germline.
Comment: This sequence change replaces valine, which is neutral and non-polar, with glycine, which is neutral and non-polar, at codon 456 of the NFKB1 protein (p.Val456Gly). This variant is not present in population databases (gnomAD no frequency). This variant has not been reported in the literature in individuals affected with NFKB1-related conditions. An algorithm developed to predict the effect of missense changes on protein structure and function (PolyPhen-2) suggests that this variant is likely to be tolerated. In summary, the available evidence is currently insufficient to determine the role of this variant in disease. Therefore, it has been classified as a Variant of Uncertain Significance.

NM_003998.4(NFKB1):c.1367T>G (p.Val456Gly)

Gene: NFKB1 (nuclear factor kappa B subunit 1; plus strand). Cytogenetic location: 4q24.
Variant type: single nucleotide variant.
Coding change: c.1367T>G on transcript NM_003998.4 (MANE Select); coding-DNA position 1367, T replaced by G.
Protein change: p.Val456Gly; replaces valine 456 with glycine.
Molecular consequence: missense variant.
Genome position (GRCh38, 1-based): chr4:102,596,204, T>G. VCF-style: chr4-102596204-T-G. GRCh37 (hg19) VCF-style: chr4-103517361-T-G.
Other names: c.1364T>G, p.Val455Gly (NM_001165412.2, NM_001319226.2, NM_001382627.1); c.1367T>G, p.Val456Gly (NM_001382625.1, NM_001382626.1); c.1325T>G, p.Val442Gly (NM_001382628.1); short protein forms V455G, V456G, V442G.
Identifiers: ClinVar variation 3724867 (VCV003724867.2).